The following is an entry in ClinVar:

NM_004656.4(BAP1):c.1055C>G (p.Pro352Arg)

Gene: BAP1 (BRCA1 associated deubiquitinase 1; minus strand). Cytogenetic location: 3p21.1.
Variant type: single nucleotide variant.
Coding change: c.1055C>G on transcript NM_004656.4 (MANE Select); coding-DNA position 1055, C replaced by G.
Protein change: p.Pro352Arg; replaces proline 352 with arginine.
Molecular consequence: missense variant.
Genome position (GRCh38, 1-based): chr3:52,405,171, G>C on the plus strand (C>G on the coding strand, the complement: BAP1 is on the minus strand). VCF-style: chr3-52405171-G-C. GRCh37 (hg19) VCF-style: chr3-52439187-G-C.
Other names: short protein forms P352R.
Identifiers: ClinVar variation 628017 (VCV000628017.5), dbSNP rs1559588419, ClinGen allele CA353105699.

ClinVar aggregate classification (germline): Uncertain significance (1 of 4 stars; one submission).

Conditions:
Hereditary cancer-predisposing syndrome. Also called: Neoplastic Syndromes, Hereditary; Tumor predisposition; Hereditary neoplastic syndrome; Hereditary Cancer Syndrome. Identifiers: Orphanet 140162, MedGen C0027672, MeSH D009386, MONDO:0015356.

Submission:

Color Diagnostics, LLC DBA Color Health
Classification: Uncertain significance for Hereditary cancer-predisposing syndrome. Last evaluated: 2023-12-05. Review status: criteria provided, single submitter. Criteria: ACMG Guidelines, 2015. Collection method: clinical testing. Allele origin: germline.
Comment: This missense variant replaces proline with arginine at codon 352 of the BAP1 protein. Computational prediction suggests that this variant may not impact protein structure and function (internally defined REVEL score threshold <= 0.5, PMID: 27666373). To our knowledge, functional studies have not been reported for this variant. This variant has not been reported in individuals affected with BAP1-related disorders in the literature. This variant has not been identified in the general population by the Genome Aggregation Database (gnomAD). The available evidence is insufficient to determine the role of this variant in disease conclusively. Therefore, this variant is classified as a Variant of Uncertain Significance.